The following is an entry in ClinVar:

NM_001042492.3(NF1):c.4591G>T (p.Val1531Phe)

Gene: NF1 (neurofibromin 1; plus strand). Cytogenetic location: 17q11.2.
Variant type: single nucleotide variant.
Coding change: c.4591G>T on transcript NM_001042492.3 (MANE Select); coding-DNA position 4591, G replaced by T.
Protein change: p.Val1531Phe; replaces valine 1531 with phenylalanine.
Molecular consequence: missense variant.
Genome position (GRCh38, 1-based): chr17:31,261,724, G>T. VCF-style: chr17-31261724-G-T. GRCh37 (hg19) VCF-style: chr17-29588742-G-T.
Other names: c.4528G>T, p.Val1510Phe (NM_000267.4); short protein forms V1510F, V1531F.
Identifiers: ClinVar variation 2452253 (VCV002452253.2), dbSNP rs2151466215, ClinGen allele CA399000139.

ClinVar aggregate classification (germline): Uncertain significance (1 of 4 stars; one submission).

Conditions:
Hereditary cancer-predisposing syndrome. Also called: Neoplastic Syndromes, Hereditary; Tumor predisposition; Hereditary neoplastic syndrome; Hereditary Cancer Syndrome. Identifiers: Orphanet 140162, MedGen C0027672, MeSH D009386, MONDO:0015356.
Cardiovascular phenotype. Identifiers: MedGen CN230736.

gnomAD v4.1: 1 of 1,612,100 alleles (0.000062%); no homozygotes.

Submission:

Ambry Genetics
Classification: Uncertain significance for Cardiovascular phenotype; Hereditary cancer-predisposing syndrome. Last evaluated: 2022-12-31. Review status: criteria provided, single submitter. Criteria: Ambry Variant Classification Scheme 2023. Collection method: clinical testing. Allele origin: germline.
Comment: The p.V1510F variant (also known as c.4528G>T), located in coding exon 34 of the NF1 gene, results from a G to T substitution at nucleotide position 4528. The valine at codon 1510 is replaced by phenylalanine, an amino acid with highly similar properties. This amino acid position is conserved. In addition, this alteration is predicted to be deleterious by in silico analysis. Since supporting evidence is limited at this time, the clinical significance of this alteration remains unclear.